The following is an entry in ClinVar:

ClinVar aggregate classification (germline): Likely pathogenic (1 of 4 stars; one submission).

Conditions:
Autosomal recessive ataxia, Beauce type. Also called: SYNE1 Deficiency; Spinocerebellar ataxia, autosomal recessive 8; ATAXIA, RECESSIVE, OF BEAUCE; SYNE1-Related Autosomal Recessive Cerebellar Ataxia. Identifiers: Orphanet 88644, MedGen C1853116, MONDO:0012549, OMIM 610743.

Submission:

Neuberg Centre For Genomic Medicine, NCGM
Classification: Likely pathogenic for Autosomal recessive ataxia, Beauce type. Review status: criteria provided, single submitter. Criteria: ACMG Guidelines, 2015. Collection method: clinical testing. Allele origin: germline. Inheritance: Autosomal recessive inheritance. Affected: yes.
Comment: The observed stop gained variant c.13612G>T(p.Glu4538Ter) in the SYNE1 gene has not been reported previously as a pathogenic variant nor as a benign variant, to our knowledge. This variant is absent in the gnomAD Exomes. This variant is predicted to cause loss of normal protein function either through protein truncation or nonsense-mediated mRNA decay. Loss of function variants have been previously reported to be disease causing (Gama MT, et al., 2016). Computational evidence (MutationTaster - Disease causing) predicts damaging effect on protein structure and function for this variant. For these reasons, this variant has been classified as Likely Pathogenic.

NM_182961.4(SYNE1):c.13612G>T (p.Glu4538Ter)

Gene: SYNE1 (spectrin repeat containing nuclear envelope protein 1; minus strand). Cytogenetic location: 6q25.2.
Variant type: single nucleotide variant.
Coding change: c.13612G>T on transcript NM_182961.4 (MANE Select); coding-DNA position 13612, G replaced by T.
Protein change: p.Glu4538Ter; replaces glutamic acid 4538 with a stop codon.
Molecular consequence: nonsense.
Genome position (GRCh38, 1-based): chr6:152,331,073, C>A on the plus strand (G>T on the coding strand, the complement: SYNE1 is on the minus strand). VCF-style: chr6-152331073-C-A. GRCh37 (hg19) VCF-style: chr6-152652208-C-A.
Other names: c.13399G>T, p.Glu4467Ter (NM_033071.5); short protein forms E4467*, E4538*.
Identifiers: ClinVar variation 3362829 (VCV003362829.3).